The following is an entry in ClinVar:

NM_006363.6(SEC23B):c.1A>G (p.Met1Val)

Gene: SEC23B (SEC23 homolog B, COPII coat complex component; plus strand). Cytogenetic location: 20p11.23.
Variant type: single nucleotide variant.
Coding change: c.1A>G on transcript NM_006363.6 (MANE Select); coding-DNA position 1, A replaced by G.
Protein change: p.Met1Val; changes the start codon (methionine 1).
Molecular consequence: missense variant, initiator codon variant.
Genome position (GRCh38, 1-based): chr20:18,510,836, A>G. VCF-style: chr20-18510836-A-G. GRCh37 (hg19) VCF-style: chr20-18491480-A-G.
Other names: c.1A>G, p.Met1Val (NM_001172745.3, NM_001172746.3, NM_032985.6 and 1 more transcripts); short protein forms M1V.
Identifiers: ClinVar variation 3896318 (VCV003896318.2).

ClinVar aggregate classification (germline): Uncertain significance (1 of 4 stars; one submission).

Submission:

Women's Health and Genetics/Laboratory Corporation of America, LabCorp
Classification: Uncertain significance. Last evaluated: 2025-04-11. Review status: criteria provided, single submitter. Criteria: LabCorp Variant Classification Summary - May 2015. Collection method: clinical testing. Allele origin: germline.
Comment: Variant summary: SEC23B c.1A>G (p.Met1Val) alters the initiation codon and is predicted to result either in absence of the protein or truncation of the encoded protein due to translation initiation at a downstream codon. Three of four in-silico tools predict a damaging effect of the variant on protein function. The variant was absent in 251206 control chromosomes. The available data on variant occurrences in the general population are insufficient to allow any conclusion about variant significance. c.1A>G has been observed in a compound heterozygous individual affected with Congenital dyserythropoietic anemia, type II (Bianchi_2016). These data do not allow any conclusion about variant significance. To our knowledge, no experimental evidence demonstrating an impact on protein function has been reported. The following publication have been ascertained in the context of this evaluation (PMID: 27471141). No submitters have cited clinical-significance assessments for this variant to ClinVar. Based on the evidence outlined above, the variant was classified as uncertain significance.

Literature cited by the submitters: PubMed 27471141.